The following is an entry in ClinVar:

ClinVar aggregate classification (germline): Uncertain significance (1 of 4 stars; one submission).

Conditions:
Congenital heart disease (CHD). Identifiers: MedGen C0152021, MONDO:0005453. Disease mechanism: unknown.

Submission:

Embryology Laboratory, Victor Chang Cardiac Research Institute
Classification: Uncertain significance for Congenital heart disease. Last evaluated: 2025-08-12. Review status: criteria provided, single submitter. Criteria: ACMG Guidelines, 2015. Collection method: research. Allele origin: unknown. Inheritance: Autosomal unknown. Affected: yes. Observed: 1 variant allele.
Comment: The 9q21.13 deletion is absent from gnomAD database. The deletion encompases 14/24 exons of CEMIP2 gene, which is not expected to yield a protein product. CEMIP2 and Congenital heart disease are not a known gene/disease relationship, the variant is therefore classified as VUS.

GRCh38/hg38 9q21.13(chr9:71722177-71973092)x1

Genes: ABHD17B (abhydrolase domain containing 17B, depalmitoylase; minus strand), C9orf85 (chromosome 9 open reading frame 85; plus strand), CEMIP2 (cell migration inducing hyaluronidase 2; minus strand), LOC111589205 (HNF1 motif-containing MPRA enhancer 224; plus strand), LOC130001878 (ATAC-STARR-seq lymphoblastoid active region 28454; plus strand) and 4 more. Cytogenetic location: 9q21.13.
Variant type: copy number loss.
Change: copy number 1 (one copy instead of two) of chr9:71,722,177-71,973,092 (250.9 kb, GRCh38 coordinates, 1-based), cytogenetic band 9q21.13.
Identifiers: ClinVar variation 4075820 (VCV004075820.1).